The following is an entry in ClinVar:

NM_002444.3(MSN):c.874A>T (p.Met292Leu)

Gene: MSN (moesin; plus strand). Cytogenetic location: Xq12.
Variant type: single nucleotide variant.
Coding change: c.874A>T on transcript NM_002444.3 (MANE Select); coding-DNA position 874, A replaced by T.
Protein change: p.Met292Leu; replaces methionine 292 with leucine.
Molecular consequence: missense variant.
Genome position (GRCh38, 1-based): chrX:65,735,345, A>T. VCF-style: chrX-65735345-A-T. GRCh37 (hg19) VCF-style: chrX-64955207-A-T.
Other names: c.874A>T (NM_002444.2); short protein forms M292L.
Identifiers: ClinVar variation 2844601 (VCV002844601.4), dbSNP rs1459799221, ClinGen allele CA413412695.
Genomic context (GRCh38, chrX:65,735,345, plus strand): 5'-CCCCGGCTGCGGATTAACAAGCGGATCTTGGCCTTGTGCATGGGGAACCATGAACTATAC[A>T]TGCGCCGTCGCAAGCCTGATACCATTGAGGTGCAGCAGATGAAGGCACAGGCCCGGGAGG-3'
Protein context (NP_002435.1, residues 282-302): ALCMGNHELY[Met292Leu]RRRKPDTIEV

ClinVar aggregate classification (germline): Uncertain significance. Review status: criteria provided, multiple submitters, no conflicts (2 of 4 stars). 2 submissions from 2 submitters: Uncertain significance (2). Last evaluated 2024-11-15.

Allele frequency attached by ClinVar (database versions not stated): TOPMed below 0.00001; gnomAD 0.00001.
gnomAD v4.1: 1 of 1,208,123 alleles (0.000083%); highest among the groups gnomAD compares: Non-Finnish European, 0.00011%; no homozygotes.

Submissions (2):

Labcorp Genetics (formerly Invitae), Labcorp
Classification: Uncertain significance. Last evaluated: 2024-11-15. Review status: criteria provided, single submitter. Criteria: Invitae Variant Classification Sherloc (09022015). Collection method: clinical testing. Allele origin: germline.
Comment: This sequence change replaces methionine, which is neutral and non-polar, with leucine, which is neutral and non-polar, at codon 292 of the MSN protein (p.Met292Leu). This variant is not present in population databases (gnomAD no frequency). This variant has not been reported in the literature in individuals affected with MSN-related conditions. ClinVar contains an entry for this variant (Variation ID: 2844601). An algorithm developed to predict the effect of missense changes on protein structure and function (PolyPhen-2) suggests that this variant is likely to be tolerated. In summary, the available evidence is currently insufficient to determine the role of this variant in disease. Therefore, it has been classified as a Variant of Uncertain Significance.

GeneDx
Classification: Uncertain significance. Last evaluated: 2024-06-02. Review status: criteria provided, single submitter. Criteria: GeneDx Variant Classification Process June 2021. Collection method: clinical testing. Allele origin: germline. Affected: yes.
Comment: Not observed at significant frequency in large population cohorts (gnomAD); In silico analysis supports that this missense variant has a deleterious effect on protein structure/function; Has not been previously published as pathogenic or benign to our knowledge